The following is an entry in ClinVar:

NM_000179.3(MSH6):c.150G>A (p.Trp50Ter)

Gene: MSH6 (mutS homolog 6; plus strand). Cytogenetic location: 2p16.3.
Variant type: single nucleotide variant.
Coding change: c.150G>A on transcript NM_000179.3 (MANE Select); coding-DNA position 150, G replaced by A.
Protein change: p.Trp50Ter; replaces tryptophan 50 with a stop codon.
Molecular consequence: nonsense. On other transcripts: 5 prime UTR variant (1), missense variant (1).
Genome position (GRCh38, 1-based): chr2:47,783,383, G>A. VCF-style: chr2-47783383-G-A. GRCh37 (hg19) VCF-style: chr2-48010522-G-A.
Other names: c.150G>A, p.Trp50Ter (NM_001281492.2, NM_001406795.1, NM_001406796.1 and 9 more transcripts); c.-587G>A (NM_001281493.2, NM_001406811.1); c.-179G>A (NM_001406799.1); c.95G>A, p.Gly32Glu (NM_001406804.1); c.-779G>A (NM_001406807.1); c.-434G>A (NM_001406812.1); c.-845G>A (NM_001406814.1); c.-390G>A (NM_001406816.1); short protein forms G32E, W50*.
Identifiers: ClinVar variation 1774173 (VCV001774173.2), dbSNP rs876659674, ClinGen allele CA346734937.

ClinVar aggregate classification (germline): Pathogenic (1 of 4 stars; one submission).

Conditions:
Hereditary cancer-predisposing syndrome. Also called: Hereditary Cancer Syndrome; Hereditary neoplastic syndrome; Neoplastic Syndromes, Hereditary; Tumor predisposition. Identifiers: Orphanet 140162, MedGen C0027672, MeSH D009386, MONDO:0015356.

Submission:

Ambry Genetics
Classification: Pathogenic for Hereditary cancer-predisposing syndrome. Last evaluated: 2021-12-15. Review status: criteria provided, single submitter. Criteria: Ambry Variant Classification Scheme 2023. Collection method: clinical testing. Allele origin: germline.
Comment: The p.W50* pathogenic mutation (also known as c.150G>A), located in coding exon 1 of the MSH6 gene, results from a G to A substitution at nucleotide position 150. This changes the amino acid from a tryptophan to a stop codon within coding exon 1. This alteration is expected to result in loss of function by premature protein truncation or nonsense-mediated mRNA decay. As such, this alteration is interpreted as a disease-causing mutation.